The following is an entry in ClinVar:

ClinVar aggregate classification (germline): Likely benign. Review status: criteria provided, multiple submitters, no conflicts (2 of 4 stars). 2 submissions from 2 submitters: Likely benign (2). Last evaluated 2025-08-21.

Conditions:
Holoprosencephaly 3 (HPE3). Identifiers: Orphanet 2162, MedGen C1840529, MONDO:0007733, OMIM 142945.

Allele frequency attached by ClinVar (database versions not stated): gnomAD 0.00001; gnomAD exomes 0.00002; TOPMed 0.00002; ExAC 0.00003.

Submissions (2):

Labcorp Genetics (formerly Invitae), Labcorp
Classification: Likely benign for Holoprosencephaly 3. Last evaluated: 2025-08-21. Review status: criteria provided, single submitter. Criteria: Invitae Variant Classification Sherloc (09022015). Collection method: clinical testing. Allele origin: germline.

CeGaT Center for Human Genetics Tuebingen
Classification: Likely benign. Last evaluated: 2023-02-01. Review status: criteria provided, single submitter. Criteria: CeGaT Center For Human Genetics Tuebingen Variant Classification Criteria Version 2. Collection method: clinical testing. Allele origin: germline. Affected: yes. Observed: 1 variant allele.
Comment: SHH: BP4

NM_000193.4(SHH):c.563-5C>G

Gene: SHH (sonic hedgehog signaling molecule; minus strand). Cytogenetic location: 7q36.3.
Variant type: single nucleotide variant.
Coding change: c.563-5C>G on transcript NM_000193.4 (MANE Select); 5 bases into the intron before coding-DNA position 563, C replaced by G.
Molecular consequence: intron variant.
Genome position (GRCh38, 1-based): chr7:155,803,731, G>C on the plus strand (C>G on the coding strand, the complement: SHH is on the minus strand). VCF-style: chr7-155803731-G-C. GRCh37 (hg19) VCF-style: chr7-155596425-G-C.
Other names: c.301+2565C>G (NM_001310462.2).
Identifiers: ClinVar variation 1425498 (VCV001425498.31), dbSNP rs768983299, ClinGen allele CA4586976.